The following is an entry in ClinVar:

NM_003442.6(ZNF143):c.271G>A (p.Val91Ile)

Gene: ZNF143 (zinc finger protein 143; plus strand). Cytogenetic location: 11p15.4.
Variant type: single nucleotide variant.
Coding change: c.271G>A on transcript NM_003442.6 (MANE Select); coding-DNA position 271, G replaced by A.
Protein change: p.Val91Ile; replaces valine 91 with isoleucine.
Molecular consequence: missense variant.
Genome position (GRCh38, 1-based): chr11:9,474,006, G>A. VCF-style: chr11-9474006-G-A. GRCh37 (hg19) VCF-style: chr11-9495553-G-A.
Other names: c.271G>A, p.Val91Ile (NM_001282656.2); c.178G>A, p.Val60Ile (NM_001282657.2); short protein forms V60I, V91I.
Identifiers: ClinVar variation 2109222 (VCV002109222.4), dbSNP rs2494500783, ClinGen allele CA379621128.

ClinVar aggregate classification (germline): Uncertain significance (1 of 4 stars; one submission).

Submission:

Labcorp Genetics (formerly Invitae), Labcorp
Classification: Uncertain significance. Last evaluated: 2023-11-20. Review status: criteria provided, single submitter. Criteria: Invitae Variant Classification Sherloc (09022015). Collection method: clinical testing. Allele origin: germline.
Comment: This sequence change replaces valine, which is neutral and non-polar, with isoleucine, which is neutral and non-polar, at codon 91 of the ZNF143 protein (p.Val91Ile). This variant is not present in population databases (gnomAD no frequency). This variant has not been reported in the literature in individuals affected with ZNF143-related conditions. ClinVar contains an entry for this variant (Variation ID: 2109222). An algorithm developed to predict the effect of missense changes on protein structure and function (PolyPhen-2) suggests that this variant is likely to be tolerated. In summary, the available evidence is currently insufficient to determine the role of this variant in disease. Therefore, it has been classified as a Variant of Uncertain Significance.